The following is an entry in ClinVar:

ClinVar aggregate classification (germline): Uncertain significance (1 of 4 stars; one submission).

Conditions:
Multiple congenital anomalies-hypotonia-seizures syndrome 2 (MCAHS2). Also called: EPILEPTIC ENCEPHALOPATHY, EARLY INFANTILE, 20; GLYCOSYLPHOSPHATIDYLINOSITOL BIOSYNTHESIS DEFECT 4. Identifiers: Orphanet 300496, MedGen C3275508, MONDO:0010466, OMIM 300868.

Submissions (2):

Labcorp Genetics (formerly Invitae), Labcorp
Classification: Uncertain significance for Multiple congenital anomalies-hypotonia-seizures syndrome 2. Last evaluated: 2023-02-02. Review status: criteria provided, single submitter. Criteria: Invitae Variant Classification Sherloc (09022015). Collection method: clinical testing. Allele origin: germline.
Comment: In summary, the available evidence is currently insufficient to determine the role of this variant in disease. Therefore, it has been classified as a Variant of Uncertain Significance. Algorithms developed to predict the effect of sequence changes on RNA splicing suggest that this variant may disrupt the consensus splice site. Algorithms developed to predict the effect of missense changes on protein structure and function output the following: SIFT: "Tolerated"; PolyPhen-2: "Benign"; Align-GVGD: "Class C0". The asparagine amino acid residue is found in multiple mammalian species, which suggests that this missense change does not adversely affect protein function. This variant has not been reported in the literature in individuals affected with PIGA-related conditions. This variant is not present in population databases (gnomAD no frequency). This sequence change replaces serine, which is neutral and polar, with asparagine, which is neutral and polar, at codon 21 of the PIGA protein (p.Ser21Asn).

Dr. Peter K. Rogan Lab, Western University
No classification provided (evidence only). Condition: Thyroid cancer, nonmedullary, 1. Review status: no classification provided. Collection method: in vitro. Allele origin: not applicable. Functional consequence: skipped exon, retained intron. Not counted in ClinVar's aggregate classification.

NM_002641.4(PIGA):c.62G>A (p.Ser21Asn)

Gene: PIGA (phosphatidylinositol glycan anchor biosynthesis class A; minus strand). Cytogenetic location: Xp22.2.
Variant type: single nucleotide variant.
Coding change: c.62G>A on transcript NM_002641.4 (MANE Select); coding-DNA position 62, G replaced by A.
Protein change: p.Ser21Asn; replaces serine 21 with asparagine.
Molecular consequence: missense variant. On other transcripts: non-coding transcript variant (1), intron variant (1).
Genome position (GRCh38, 1-based): chrX:15,331,869, C>T on the plus strand (G>A on the coding strand, the complement: PIGA is on the minus strand). VCF-style: chrX-15331869-C-T. GRCh37 (hg19) VCF-style: chrX-15349991-C-T.
Other names: c.13+3632G>A (NM_020473.3); short protein forms S21N.
Identifiers: ClinVar variation 2833875 (VCV002833875.4), dbSNP rs1057518239, ClinGen allele CA412341414.